The following is an entry in ClinVar:

ClinVar aggregate classification (germline): Benign. Review status: criteria provided, multiple submitters, no conflicts (2 of 4 stars). 5 submissions from 5 submitters: Benign (5). Last evaluated 2026-01-25.

Conditions:
Split hand-foot malformation 3. Also called: Buttiens Fryns syndrome; CHROMOSOME 10q24 DUPLICATION SYNDROME; SHSF3. Identifiers: Orphanet 1307, MedGen C1838652, MONDO:0009525, OMIM 246560.

Allele frequency attached by ClinVar (database versions not stated): TOPMed 0.01465; gnomAD 0.01535 and 0.01363; ExAC 0.02368; gnomAD exomes 0.02492 and 0.01089; 1000 Genomes Project 30x 0.02967; 1000 Genomes Project 0.03055; ESP Exome Variant Server 0.00060.
gnomAD v4.1: 16,323 of 1,428,140 alleles (1.1%); highest among the groups gnomAD compares: East Asian, 6.3%; 261 homozygotes.

Submissions (5):

Labcorp Genetics (formerly Invitae), Labcorp
Classification: Benign. Last evaluated: 2026-01-25. Review status: criteria provided, single submitter. Criteria: Invitae Variant Classification Sherloc (09022015). Collection method: clinical testing. Allele origin: germline.

GeneDx
Classification: Benign. Last evaluated: 2021-05-05. Review status: criteria provided, single submitter. Criteria: GeneDx Variant Classification Process June 2021. Collection method: clinical testing. Allele origin: germline. Affected: yes.

Illumina Laboratory Services, Illumina
Classification: Benign for Split hand-foot malformation 3. Last evaluated: 2018-01-13. Review status: criteria provided, single submitter. Criteria: ICSL Variant Classification Criteria 13 December 2019. Collection method: clinical testing. Allele origin: germline.
Comment: This variant was observed in the ICSL laboratory as part of a predisposition screen in an ostensibly healthy population. It had not been previously curated by ICSL or reported in the Human Gene Mutation Database (HGMD: prior to June 1st, 2018), and was therefore a candidate for classification through an automated scoring system. Utilizing variant allele frequency, disease prevalence and penetrance estimates, and inheritance mode, an automated score was calculated to assess if this variant is too frequent to cause the disease. Based on the score and internal cut-off values, a variant classified as benign is not then subjected to further curation. The score for this variant resulted in a classification of benign for this disease.

Eurofins Ntd Llc (ga)
Classification: Benign. Last evaluated: 2015-01-06. Review status: criteria provided, single submitter. Criteria: EGL Classification Definitions 2015. Collection method: clinical testing. Allele origin: germline. Observed: 2 variant alleles, 2 heterozygotes.

Breakthrough Genomics
Classification: Benign. Review status: criteria provided, single submitter. Criteria: ACMG Guidelines, 2015. Collection method: not provided. Allele origin: germline. Inheritance: Unknown mechanism. Affected: yes.

NM_022039.4(FBXW4):c.472G>C (p.Ala158Pro)

Genes: FBXW4 (F-box and WD repeat domain containing 4; minus strand), LOC130004563 (ATAC-STARR-seq lymphoblastoid silent region 2723; plus strand). Cytogenetic location: 10q24.32.
Variant type: single nucleotide variant.
Coding change: c.472G>C on transcript NM_022039.4 (MANE Select); coding-DNA position 472, G replaced by C.
Protein change: p.Ala158Pro; replaces alanine 158 with proline.
Molecular consequence: missense variant. On other transcripts: non-coding transcript variant (1), intron variant (1).
Genome position (GRCh38, 1-based): chr10:101,694,634, C>G on the plus strand (G>C on the coding strand, the complement: FBXW4 is on the minus strand). VCF-style: chr10-101694634-C-G. GRCh37 (hg19) VCF-style: chr10-103454391-C-G.
Other names: c.-2+606G>C (NM_001323541.2); short protein forms A158P.
Identifiers: ClinVar variation 193448 (VCV000193448.20), dbSNP rs111600818, ClinGen allele CA200587.
Genomic context (GRCh38, chr10:101,694,634, plus strand): 5'-CCGGGCGGGCAGCCGACTCCCGAGCCGCCTCCTCCTCCTCCTCCTCCTCCCCGGCCGCCG[C>G]CGCCATGGCCACCCCTGTCCCCGCGATGTCGGCCCAAGCCTGACCCCCTCGTCCCTGTGC-3'
Protein context (NP_071322.2, residues 148-168): DIAGTGVAMA[Ala158Pro]AAGEEEEEEE